The following is an entry in ClinVar:

ClinVar aggregate classification (germline): Conflicting classifications of pathogenicity. Review status: criteria provided, conflicting classifications (1 of 4 stars). 3 submissions from 3 submitters: Uncertain significance (2); Benign (1). Last evaluated 2024-11-13.

Conditions:
Cardiovascular phenotype. Identifiers: MedGen CN230736.
Hereditary cancer-predisposing syndrome. Also called: Hereditary neoplastic syndrome; Neoplastic Syndromes, Hereditary; Tumor predisposition; Hereditary Cancer Syndrome. Identifiers: Orphanet 140162, MedGen C0027672, MeSH D009386, MONDO:0015356.
Neurofibromatosis, type 1 (NF1). Also called: VON RECKLINGHAUSEN DISEASE; Peripheral type neurofibromatosis; NEUROFIBROMATOSIS, TYPE I, SOMATIC; Neurofibromatosis, type I. Identifiers: Orphanet 636, MedGen C0027831, MONDO:0018975, OMIM 162200. Disease mechanism: loss of function.

Submissions (3):

GeneDx
Classification: Uncertain significance. Last evaluated: 2024-11-13. Review status: criteria provided, single submitter. Criteria: GeneDx Variant Classification Process June 2021. Collection method: clinical testing. Allele origin: germline. Affected: yes.
Comment: In silico analysis supports that this missense variant has a deleterious effect on protein structure/function; Not observed at significant frequency in large population cohorts (gnomAD); Has not been previously published as pathogenic or benign to our knowledge; This variant is associated with the following publications: (PMID: 2121369, 22807134, 25486365)

Labcorp Genetics (formerly Invitae), Labcorp
Classification: Benign for Neurofibromatosis, type 1. Last evaluated: 2024-10-08. Review status: criteria provided, single submitter. Criteria: Invitae Variant Classification Sherloc (09022015). Collection method: clinical testing. Allele origin: germline.

Ambry Genetics
Classification: Uncertain significance for Cardiovascular phenotype; Hereditary cancer-predisposing syndrome. Last evaluated: 2016-04-06. Review status: criteria provided, single submitter. Criteria: Ambry Variant Classification Scheme 2023. Collection method: clinical testing. Allele origin: germline.
Comment: The p.T1191A variant (also known as c.3571A>G), located in coding exon 27 of the NF1 gene, results from an A to G substitution at nucleotide position 3571. The threonine at codon 1191 is replaced by alanine, an amino acid with similar properties. This variant was not reported in population based cohorts in the following databases: Database of Single Nucleotide Polymorphisms (dbSNP), NHLBI Exome Sequencing Project (ESP), and 1000 Genomes Project. In the ESP, this variant was not observed in 6503 samples (13006 alleles) with coverage at this position. To date, this alteration has been detected with an allele frequency of approximately 0.001% (greater than 110000 alleles tested) in our clinical cohort. This amino acid position is highly conserved in available vertebrate species. In addition, this alteration is predicted to be deleterious by in silico analysis. Since supporting evidence is limited at this time, the clinical significance of this alteration remains unclear.

NM_001042492.3(NF1):c.3571A>G (p.Thr1191Ala)

Gene: NF1 (neurofibromin 1; plus strand). Cytogenetic location: 17q11.2.
Variant type: single nucleotide variant.
Coding change: c.3571A>G on transcript NM_001042492.3 (MANE Select); coding-DNA position 3571, A replaced by G.
Protein change: p.Thr1191Ala; replaces threonine 1191 with alanine.
Molecular consequence: missense variant.
Genome position (GRCh38, 1-based): chr17:31,233,076, A>G. VCF-style: chr17-31233076-A-G. GRCh37 (hg19) VCF-style: chr17-29560094-A-G.
Other names: c.3571A>G, p.Thr1191Ala (NM_000267.4); short protein forms T1191A.
Identifiers: ClinVar variation 484029 (VCV000484029.8), dbSNP rs1555615033, ClinGen allele CA398990102.